The following is an entry in ClinVar:

NM_025114.4(CEP290):c.3790C>T (p.Arg1264Cys)

Gene: CEP290 (centrosomal protein 290; minus strand). Cytogenetic location: 12q21.32.
Variant type: single nucleotide variant.
Coding change: c.3790C>T on transcript NM_025114.4 (MANE Select); coding-DNA position 3790, C replaced by T.
Protein change: p.Arg1264Cys; replaces arginine 1264 with cysteine.
Molecular consequence: missense variant.
Genome position (GRCh38, 1-based): chr12:88,089,271, G>A on the plus strand (C>T on the coding strand, the complement: CEP290 is on the minus strand). VCF-style: chr12-88089271-G-A. GRCh37 (hg19) VCF-style: chr12-88483048-G-A.
Other names: p.Arg1264Cys; short protein forms R1264C.
Identifiers: ClinVar variation 310606 (VCV000310606.37), dbSNP rs139998038, ClinGen allele CA6712084.

ClinVar aggregate classification (germline): Conflicting classifications of pathogenicity. Review status: criteria provided, conflicting classifications (1 of 4 stars). 15 submissions from 11 submitters: Uncertain significance (7); Likely benign (6). 2 of the submissions do not count toward it. Last evaluated 2026-08-18.

Conditions:
Inborn genetic diseases. Identifiers: MedGen C0950123, MeSH D030342.
Meckel-Gruber syndrome. Also called: GRUBER SYNDROME; DYSENCEPHALIA SPLANCHNOCYSTICA; Dysencephalia splachnocystica. Identifiers: Orphanet 564, MedGen C0265215, MONDO:0018921.
Joubert syndrome. Also called: JOUBERT-BOLTSHAUSER SYNDROME; Familial aplasia of the vermis. Identifiers: Orphanet 475, MedGen C5979921, MONDO:0018772.
Nephronophthisis. Also called: Juvenile Nephronophthisis. Identifiers: Orphanet 655, MedGen C0687120, MONDO:0019005, HP:0000090.
Retinitis pigmentosa (RP). Identifiers: Orphanet 791, MedGen C0035334, MeSH D012174, MONDO:0019200, OMIM 268000. Inheritance: Autosomal dominant, autosomal recessive and X linked inheritance.
Bardet-Biedl syndrome 14 (BBS14). Identifiers: Orphanet 110, MedGen C2673874, MONDO:0014442, OMIM 615991.
CEP290-related disorder. Also called: CEP290-related disorders; CEP290-related condition. Identifiers: MedGen CN239314.
Leber congenital amaurosis (LCA). Also called: Leber's amaurosis. Identifiers: Orphanet 65, MedGen C0339527, MeSH D057130, MONDO:0018998.
Meckel syndrome, type 4 (MKS4). Also called: MECKEL-GRUBER SYNDROME, TYPE 4. Identifiers: Orphanet 564, MedGen C1970161, MONDO:0012626, OMIM 611134.
Retinal dystrophy. Also called: Inherited retinal dystrophy. Identifiers: Orphanet 71862, MedGen C0854723, MeSH D058499, MONDO:0019118, HP:0000556.
Leber congenital amaurosis 10 (LCA10). Identifiers: Orphanet 65, MedGen C1857821, MONDO:0012723, OMIM 611755.
Senior-Loken syndrome 6 (SLSN6). Identifiers: Orphanet 3156, MedGen C1857779, MONDO:0012433, OMIM 610189.
Joubert syndrome 5 (JBTS5). Identifiers: Orphanet 2318, MedGen C1857780, MONDO:0012432, OMIM 610188.

Allele frequency attached by ClinVar (database versions not stated): gnomAD exomes 0.00019 and 0.00048; ExAC 0.00054; ESP Exome Variant Server 0.00125; gnomAD 0.00176 and 0.00187; TOPMed 0.00205; 1000 Genomes Project 0.00240; 1000 Genomes Project 30x 0.00281.
gnomAD v4.1: 545 of 1,613,868 alleles (0.034%); highest among the groups gnomAD compares: African/African-American, 0.61%; 1 homozygote.

Submissions (15):

GeneDx
Classification: Uncertain significance. Last evaluated: 2026-08-18. Review status: criteria provided, single submitter. Criteria: GeneDx Variant Classification Process June 2021. Collection method: clinical testing. Allele origin: germline.
Comment: In silico analysis supports that this missense variant has a deleterious effect on protein structure/function; Has not been previously published as pathogenic or benign to our knowledge

Labcorp Genetics (formerly Invitae), Labcorp
Classification: Likely benign for Joubert syndrome; Meckel-Gruber syndrome; Nephronophthisis. Last evaluated: 2026-01-26. Review status: criteria provided, single submitter. Criteria: Invitae Variant Classification Sherloc (09022015). Collection method: clinical testing. Allele origin: germline.

Blueprint Genetics
Classification: Likely benign. Last evaluated: 2024-11-13. Review status: criteria provided, single submitter. Criteria: ACMG Guidelines, 2015. Collection method: clinical testing. Allele origin: germline.

Mayo Clinic Laboratories, Mayo Clinic
Classification: Uncertain significance. Last evaluated: 2024-01-30. Review status: criteria provided, single submitter. Criteria: ACMG Guidelines, 2015. Collection method: clinical testing. Allele origin: germline. Observed: 1 variant allele.
Comment: BS1

Dept Of Ophthalmology, Nagoya University
Classification: Uncertain significance for Retinal dystrophy. Last evaluated: 2023-10-01. Review status: criteria provided, single submitter. Criteria: Submitter's publication. Collection method: research. Allele origin: germline. Affected: yes.

Ambry Genetics
Classification: Likely benign for Inborn genetic diseases. Last evaluated: 2021-10-15. Review status: criteria provided, single submitter. Criteria: Ambry Variant Classification Scheme 2023. Collection method: clinical testing. Allele origin: germline.

DBGen Ocular Genomics
Classification: Uncertain significance for Retinitis pigmentosa. Last evaluated: 2021-06-01. Review status: criteria provided, single submitter. Criteria: ACMG Guidelines, 2015. Collection method: clinical testing. Allele origin: germline. Affected: yes. Observed: 1 variant allele.

Baylor Genetics
Classification: Uncertain significance for Bardet-Biedl syndrome 14. Last evaluated: 2018-05-18. Review status: criteria provided, single submitter. Criteria: ACMG Guidelines, 2015. Collection method: clinical testing. Allele origin: maternal. Affected: yes.
Comment: This variant was determined to be of uncertain significance according to ACMG Guidelines, 2015 [PMID:25741868].

Illumina Laboratory Services, Illumina
Classification: Uncertain significance for Leber congenital amaurosis 10. Last evaluated: 2018-01-13. Review status: criteria provided, single submitter. Criteria: ICSL Variant Classification Criteria 13 December 2019. Collection method: clinical testing. Allele origin: germline.

Illumina Laboratory Services, Illumina
Classification: Likely benign for Senior-Loken syndrome 6. Last evaluated: 2018-01-13. Review status: criteria provided, single submitter. Criteria: ICSL Variant Classification Criteria 13 December 2019. Collection method: clinical testing. Allele origin: germline.
Comment: This variant was observed in the ICSL laboratory as part of a predisposition screen in an ostensibly healthy population. It had not been previously curated by ICSL or reported in the Human Gene Mutation Database (HGMD: prior to June 1st, 2018), and was therefore a candidate for classification through an automated scoring system. Utilizing variant allele frequency, disease prevalence and penetrance estimates, and inheritance mode, an automated score was calculated to assess if this variant is too frequent to cause the disease. Based on the score and internal cut-off values, a variant classified as likely benign is not then subjected to further curation. The score for this variant resulted in a classification of likely benign for this disease.

Illumina Laboratory Services, Illumina
Classification: Likely benign for Joubert syndrome 5. Last evaluated: 2018-01-13. Review status: criteria provided, single submitter. Criteria: ICSL Variant Classification Criteria 13 December 2019. Collection method: clinical testing. Allele origin: germline.
Comment: the same text as in the submission from Illumina Laboratory Services, Illumina above.

Illumina Laboratory Services, Illumina
Classification: Likely benign for Bardet-Biedl syndrome 14. Last evaluated: 2018-01-13. Review status: criteria provided, single submitter. Criteria: ICSL Variant Classification Criteria 13 December 2019. Collection method: clinical testing. Allele origin: germline.
Comment: the same text as in the submission from Illumina Laboratory Services, Illumina above.

Illumina Laboratory Services, Illumina
Classification: Uncertain significance for Meckel syndrome, type 4. Last evaluated: 2018-01-13. Review status: criteria provided, single submitter. Criteria: ICSL Variant Classification Criteria 13 December 2019. Collection method: clinical testing. Allele origin: germline.

Natera, Inc.
Classification: Likely benign for Leber congenital amaurosis. Last evaluated: 2020-04-17. Review status: no assertion criteria provided. Collection method: clinical testing. Allele origin: germline. Not counted in ClinVar's aggregate classification.

PreventionGenetics, part of Exact Sciences
Classification: Likely benign for CEP290-related condition. Last evaluated: 2019-07-18. Review status: no assertion criteria provided. Collection method: clinical testing. Allele origin: germline. Not counted in ClinVar's aggregate classification.
Comment: This variant is classified as likely benign based on ACMG/AMP sequence variant interpretation guidelines (Richards et al. 2015 PMID: 25741868, with internal and published modifications).